The following is an entry in ClinVar:

NM_015346.4(ZFYVE26):c.1986_1988delinsACACTCAG (p.Phe665fs)

Gene: ZFYVE26 (zinc finger FYVE-type containing 26; minus strand). Cytogenetic location: 14q24.1.
Variant type: Indel.
Coding change: c.1986_1988delinsACACTCAG on transcript NM_015346.4 (MANE Select); coding-DNA positions 1986 to 1988, GCA replaced by ACACTCAG.
Protein change: p.Phe665fs; shifts the reading frame from phenylalanine 665.
Molecular consequence: frameshift variant.
Genome position (GRCh38, 1-based): chr14:67,798,274-67,798,276, TGC replaced by CTGAGTGT on the plus strand (GCA replaced by ACACTCAG on the coding strand, the reverse complement: ZFYVE26 is on the minus strand). VCF-style: chr14-67798274-TGC-CTGAGTGT. GRCh37 (hg19) VCF-style: chr14-68264991-TGC-CTGAGTGT.
Other names: short protein forms F665fs.
Identifiers: ClinVar variation 1725748 (VCV001725748.2), dbSNP rs2502856896, ClinGen allele CA2580088615.

ClinVar aggregate classification (germline): Likely pathogenic (1 of 4 stars; one submission).

Conditions:
Hereditary spastic paraplegia 15 (SPG15). Also called: SPASTIC PARAPLEGIA 15, AUTOSOMAL RECESSIVE; KJELLIN SYNDROME; SPASTIC PARAPLEGIA AND RETINAL DEGENERATION. Identifiers: Orphanet 100996, MedGen C1849128, MONDO:0010044, OMIM 270700.

Submission:

Myriad Genetics, Inc.
Classification: Likely pathogenic for Hereditary spastic paraplegia 15. Last evaluated: 2022-03-31. Review status: criteria provided, single submitter. Criteria: Myriad Women's Health Autosomal Recessive and X-Linked Classification Criteria (2021). Collection method: clinical testing. Allele origin: unknown.
Comment: NM_015346.3(ZFYVE26):c.1986_1988del3ins8(F665Afs*6) is expected to be pathogenic in the context of spastic paraplegia type 15. This variant is predicted to lead to an abnormal or absent protein product due to the creation of a premature termination codon in ZFYVE26, a gene where loss-of-function variants are known to be pathogenic. Please note: this variant was assessed in the context of healthy population screening.